The following is an entry in ClinVar:

ClinVar aggregate classification (germline): Uncertain significance (1 of 4 stars; one submission).

Conditions:
KSR2-related disorder. Also called: KSR2-related condition.

Submission:

PreventionGenetics, part of Exact Sciences
Classification: Uncertain significance for KSR2-related condition. Last evaluated: 2026-02-17. Review status: criteria provided, single submitter. Criteria: ACMG Guidelines, 2015. Collection method: clinical testing. Allele origin: germline.
Comment: The KSR2 c.297C>G variant is predicted to result in the amino acid substitution p.Cys99Trp. To our knowledge, this variant has not been reported in the literature or in a large population database (gnomAD), indicating this variant is rare. At this time, the clinical significance of this variant is uncertain due to the absence of conclusive functional and genetic evidence.

NM_173598.6(KSR2):c.384C>G (p.Cys128Trp)

Gene: KSR2 (kinase suppressor of ras 2; minus strand). Cytogenetic location: 12q24.23.
Variant type: single nucleotide variant.
Coding change: c.384C>G on transcript NM_173598.6 (MANE Select); coding-DNA position 384, C replaced by G.
Protein change: p.Cys128Trp; replaces cysteine 128 with tryptophan.
Molecular consequence: missense variant.
Genome position (GRCh38, 1-based): chr12:117,855,516, G>C on the plus strand (C>G on the coding strand, the complement: KSR2 is on the minus strand). VCF-style: chr12-117855516-G-C. GRCh37 (hg19) VCF-style: chr12-118293321-G-C.
Other names: short protein forms C128W.
Identifiers: ClinVar variation 4990703 (VCV004990703.1).
Genomic context (GRCh38, chr12:117,855,516, plus strand): 5'-GAGGGAGGCGTTGAGGCGGGCACACTCCTCCCGGTTGGCTCCGTATTTCTCCACAGTCTC[G>C]CACACCTGTTCATCCGTCATCTCCAAGAGGTCCTCCAGGCTCAGCTGGCCGGGGGAGATT-3'
Protein context (NP_775869.4, residues 118-138): DLLEMTDEQV[Cys128Trp]ETVEKYGANR